The following is an entry in ClinVar:

NM_000218.3(KCNQ1):c.2007G>C (p.Arg669Ser)

Genes: KCNQ1 (potassium voltage-gated channel subfamily Q member 1; plus strand), KCNQ1-AS1 (KCNQ1 antisense RNA 1; minus strand). Cytogenetic location: 11p15.4.
Variant type: single nucleotide variant.
Coding change: c.2007G>C on transcript NM_000218.3 (MANE Select); coding-DNA position 2007, G replaced by C.
Protein change: p.Arg669Ser; replaces arginine 669 with serine.
Molecular consequence: missense variant.
Genome position (GRCh38, 1-based): chr11:2,847,979, G>C. VCF-style: chr11-2847979-G-C. GRCh37 (hg19) VCF-style: chr11-2869209-G-C.
Other names: c.1911G>C, p.Arg637Ser (NM_001406836.1); c.1737G>C, p.Arg579Ser (NM_001406837.1); c.1467G>C, p.Arg489Ser (NM_001406838.1); c.519G>C, p.Arg173Ser (NM_001406839.1); c.1626G>C, p.Arg542Ser (NM_181798.2); short protein forms R542S, R669S, R173S, R489S, R579S, R637S.
Identifiers: ClinVar variation 924776 (VCV000924776.11), dbSNP rs1224780355, ClinGen allele CA379140608.

ClinVar aggregate classification (germline): Uncertain significance. Review status: criteria provided, multiple submitters, no conflicts (2 of 4 stars). 3 submissions from 3 submitters: Uncertain significance (3). Last evaluated 2025-09-05.

Conditions:
Long QT syndrome (LQTS). Identifiers: MedGen C0023976, MeSH D008133, MONDO:0002442. Disease mechanism: loss of function. Inheritance: Various modes of inheritance.
Cardiac arrhythmia. Also called: Arrhythmia; Cardiac rhythm disease. Identifiers: MedGen C0003811, MONDO:0007263, HP:0011675.

Allele frequency attached by ClinVar (database versions not stated): TOPMed below 0.00001; gnomAD 0.00001; gnomAD exomes 0.00001.
gnomAD v4.1: 11 of 1,551,836 alleles (0.00071%); highest among the groups gnomAD compares: Non-Finnish European, 0.00087%; no homozygotes.

Submissions (3):

Color Diagnostics, LLC DBA Color Health
Classification: Uncertain significance for Cardiac arrhythmia. Last evaluated: 2025-09-05. Review status: criteria provided, single submitter. Criteria: ACMG Guidelines, 2015. Collection method: clinical testing. Allele origin: germline.
Comment: This missense variant replaces arginine with serine at codon 669 of the KCNQ1 protein. Computational prediction is inconclusive regarding the impact of this variant on protein structure and function. To our knowledge, functional studies have not been reported for this variant. This variant has not been reported in individuals affected with KCNQ1-related disorders in the literature. This variant has been identified in 1/161600 chromosomes in the general population by the Genome Aggregation Database (gnomAD). The available evidence is insufficient to determine the role of this variant in disease conclusively. Therefore, this variant is classified as a Variant of Uncertain Significance.

Labcorp Genetics (formerly Invitae), Labcorp
Classification: Uncertain significance for Long QT syndrome. Last evaluated: 2025-03-17. Review status: criteria provided, single submitter. Criteria: Invitae Variant Classification Sherloc (09022015). Collection method: clinical testing. Allele origin: germline.
Comment: This sequence change replaces arginine, which is basic and polar, with serine, which is neutral and polar, at codon 669 of the KCNQ1 protein (p.Arg669Ser). This variant is present in population databases (no rsID available, gnomAD 0.002%). This variant has not been reported in the literature in individuals affected with KCNQ1-related conditions. ClinVar contains an entry for this variant (Variation ID: 924776). Invitae Evidence Modeling of protein sequence and biophysical properties (such as structural, functional, and spatial information, amino acid conservation, physicochemical variation, residue mobility, and thermodynamic stability) indicates that this missense variant is not expected to disrupt KCNQ1 protein function with a negative predictive value of 95%. In summary, the available evidence is currently insufficient to determine the role of this variant in disease. Therefore, it has been classified as a Variant of Uncertain Significance.

All of Us Research Program, National Institutes of Health
Classification: Uncertain significance for Long QT syndrome. Last evaluated: 2023-11-30. Review status: criteria provided, single submitter. Criteria: ACMG Guidelines, 2015. Collection method: clinical testing. Allele origin: germline. Inheritance: Autosomal dominant inheritance. Observed: 2 variant alleles, 2 heterozygotes.
Comment: Variant of Uncertain Significance due to insufficient evidence: This missense variant replaces arginine with serine at codon 669 of the KCNQ1 protein. Computational prediction tools and conservation analyses are inconclusive regarding the impact of this variant on the protein function. Computational splicing tools suggest that this variant may not impact RNA splicing. To our knowledge, functional assays have not been performed for this variant nor has this variant been reported in individuals affected with cardiovascular disorders in the literature. This variant has been identified in 1/155368 chromosomes in the general population by the Genome Aggregation Database (gnomAD). Available evidence is insufficient to determine the role of this variant in disease conclusively.

This study involves interpretation of variants in research participants for the purpose of population health screening. Participant phenotype was not available at the time of variant classification. Additional details can be found in publication PMID: 35346344, PMCID: PMC8962531